The following is an entry in ClinVar:

ClinVar aggregate classification (germline): Uncertain significance. Review status: criteria provided, multiple submitters, no conflicts (2 of 4 stars). 2 submissions from 2 submitters: Uncertain significance (2). Last evaluated 2026-06-28.

Conditions:
PCNT-related disorder. Also called: PCNT-related condition.

Submissions (2):

PreventionGenetics, part of Exact Sciences
Classification: Uncertain significance for PCNT-related condition. Last evaluated: 2026-06-28. Review status: criteria provided, single submitter. Criteria: ACMG Guidelines, 2015. Collection method: clinical testing. Allele origin: germline.
Comment: The PCNT c.406_444del39 variant is predicted to result in an in-frame deletion (p.Gly136_Val148del). To our knowledge, this variant has not been reported in the literature. This variant is reported in 0.017% of alleles in individuals of African descent in gnomAD. At this time, the clinical significance of this variant is uncertain due to the absence of conclusive functional and genetic evidence.

Labcorp Genetics (formerly Invitae), Labcorp
Classification: Uncertain significance. Last evaluated: 2025-03-30. Review status: criteria provided, single submitter. Criteria: Invitae Variant Classification Sherloc (09022015). Collection method: clinical testing. Allele origin: germline.
Comment: This variant, c.406_444del, results in the deletion of 13 amino acid(s) of the PCNT protein (p.Gly136_Val148del), but otherwise preserves the integrity of the reading frame. The frequency data for this variant in the population databases is considered unreliable, as metrics indicate poor data quality at this position in the gnomAD database. This variant has not been reported in the literature in individuals affected with PCNT-related conditions. ClinVar contains an entry for this variant (Variation ID: 1427801). Experimental studies and prediction algorithms are not available or were not evaluated, and the functional significance of this variant is currently unknown. In summary, the available evidence is currently insufficient to determine the role of this variant in disease. Therefore, it has been classified as a Variant of Uncertain Significance.

NM_006031.6(PCNT):c.406_444del (p.Gly136_Val148del)

Gene: PCNT (pericentrin; plus strand). Cytogenetic location: 21q22.3.
Variant type: Deletion.
Coding change: c.406_444del on transcript NM_006031.6 (MANE Select); coding-DNA positions 406 to 444, 39 bases deleted.
Protein change: p.Gly136_Val148del.
Molecular consequence: inframe deletion.
Genome position (GRCh38, 1-based): chr21:46,334,535-46,334,573, 39 bases deleted; deleting any 39 consecutive bases within chr21:46,334,519-46,334,573 gives the same sequence; the c. name uses the placement nearest the transcript's 3' end. GRCh37 (hg19): chr21:47,754,449-47,754,487.
Other names: c.52_90del, p.Gly18_Val30del (NM_001315529.2); c.406_444del39 (NM_006031.5).
Identifiers: ClinVar variation 1427801 (VCV001427801.7), dbSNP rs748692891, ClinGen allele CA638498984.